The following is an entry in ClinVar:

Conditions:
Breast-ovarian cancer, familial, susceptibility to, 1 (BROVCA1). Also called: BRCA1 Hereditary Breast and Ovarian Cancer; OVARIAN CANCER, SUSCEPTIBILITY TO. Identifiers: Orphanet 145, MedGen C2676676, MONDO:0011450, OMIM 604370. Disease mechanism: loss of function.

Submission:

Brotman Baty Institute, University of Washington
No classification provided (evidence only). Condition: Breast-ovarian cancer, familial 1. Review status: no classification provided. Collection method: in vitro. Allele origin: not applicable. Functional consequence: function_uncertain_variant.
ClinVar note: "not provided" was previously submitted as the classification for the variant. However, the classification appeared to be based only on an observation of functional data so it was converted to no classification on 2025-07-30.

NM_007294.4(BRCA1):c.5407-7G>T

Gene: BRCA1 (BRCA1 DNA repair associated; minus strand). Cytogenetic location: 17q21.31.
Variant type: single nucleotide variant.
Coding change: c.5407-7G>T on transcript NM_007294.4 (MANE Select); 7 bases into the intron before coding-DNA position 5407, G replaced by T.
Molecular consequence: intron variant.
Genome position (GRCh38, 1-based): chr17:43,047,710, C>A on the plus strand (G>T on the coding strand, the complement: BRCA1 is on the minus strand). VCF-style: chr17-43047710-C-A. GRCh37 (hg19) VCF-style: chr17-41199727-C-A.
Other names: c.1954-7G>T (NM_001408458.1, NM_001408461.1, NM_001408464.1 and 7 more transcripts); c.4516-7G>T (NM_001407967.1); c.5026-7G>T (NM_001407959.1); c.5140-7G>T (NM_001407931.1, NM_001407932.1, NM_001407928.1 and 4 more transcripts); c.5263-7G>T (NM_001407747.1, NM_001407745.1, NM_001407737.1 and 18 more transcripts); c.5023-7G>T (NM_001407962.1, NM_001407960.1); c.1594-7G>T (NM_001408512.1); c.1717-7G>T (NM_001408510.1); and 83 more.
Identifiers: ClinVar variation 865455 (VCV000865455.3), dbSNP rs1597799642, ClinGen allele CA916080786.